The following is an entry in ClinVar:

NM_147127.5(EVC2):c.3519C>T (p.Ser1173=)

Gene: EVC2 (EvC ciliary complex subunit 2; minus strand). Cytogenetic location: 4p16.2.
Variant type: single nucleotide variant.
Coding change: c.3519C>T on transcript NM_147127.5 (MANE Select); coding-DNA position 3519, C replaced by T.
Protein change: p.Ser1173=; no amino-acid change (serine 1173 retained).
Molecular consequence: synonymous variant.
Genome position (GRCh38, 1-based): chr4:5,568,482, G>A on the plus strand (C>T on the coding strand, the complement: EVC2 is on the minus strand). VCF-style: chr4-5568482-G-A. GRCh37 (hg19) VCF-style: chr4-5570209-G-A.
Other names: c.3279C>T, p.Ser1093= (NM_001166136.2).
Identifiers: ClinVar variation 771811 (VCV000771811.22), dbSNP rs749446584, ClinGen allele CA2834293.
Genomic context (GRCh38, chr4:5,568,482, plus strand): 5'-GCAGCCCCTCCACGGCACTCACCTCCGCCTGCCCACGTCGGCCTGCTCCGCTCCGCCATC[G>A]CTCTCAGCTGCGTGGTCCACATGTCTCTCGGTGGCCGAATCCAGCAGGGCCAGCAGCTGA-3'
Protein context (NP_667338.3, residues 1163-1183): TERHVDHAAE[Ser1173=]DGGAEQADVG

ClinVar aggregate classification (germline): Likely benign. Review status: criteria provided, multiple submitters, no conflicts (2 of 4 stars). 4 submissions from 4 submitters: Likely benign (3). 1 of the submissions does not count toward it. Last evaluated 2026-05-13.

Conditions:
EVC2-related disorder. Also called: EVC2-related condition.
Ellis-van Creveld syndrome (EVC). Also called: Chondroectodermal dysplasia; MESOECTODERMAL DYSPLASIA. Identifiers: Orphanet 289, MedGen C0013903, MONDO:0009162, OMIM 225500.
Curry-Hall syndrome (WAD). Also called: WEYERS ACRODENTAL DYSOSTOSIS. Identifiers: Orphanet 952, MedGen C0457013, MONDO:0008673, OMIM 193530.

Allele frequency attached by ClinVar (database versions not stated): TOPMed 0.00013; gnomAD exomes 0.00014; gnomAD 0.00009 and 0.00008; ExAC 0.00016.
gnomAD v4.1: 66 of 1,579,578 alleles (0.0042%); highest among the groups gnomAD compares: Admixed American, 0.065%; no homozygotes.

Submissions (4):

Women's Health and Genetics/Laboratory Corporation of America, LabCorp
Classification: Likely benign. Last evaluated: 2026-05-13. Review status: criteria provided, single submitter. Criteria: LabCorp Variant Classification Summary - May 2015. Collection method: clinical testing. Allele origin: germline.

Labcorp Genetics (formerly Invitae), Labcorp
Classification: Likely benign for Curry-Hall syndrome; Ellis-van Creveld syndrome. Last evaluated: 2026-01-21. Review status: criteria provided, single submitter. Criteria: Invitae Variant Classification Sherloc (09022015). Collection method: clinical testing. Allele origin: germline.

ARUP Laboratories, Molecular Genetics and Genomics, ARUP Laboratories
Classification: Likely benign. Last evaluated: 2019-11-15. Review status: criteria provided, single submitter. Criteria: ARUP Molecular Germline Variant Investigation Process. Collection method: clinical testing. Allele origin: germline.

PreventionGenetics, part of Exact Sciences
Classification: Likely benign for EVC2-related condition. Last evaluated: 2020-08-25. Review status: no assertion criteria provided. Collection method: clinical testing. Allele origin: germline. Not counted in ClinVar's aggregate classification.
Comment: This variant is classified as likely benign based on ACMG/AMP sequence variant interpretation guidelines (Richards et al. 2015 PMID: 25741868, with internal and published modifications).